The following is an entry in ClinVar:

NM_016525.5(UBAP1):c.1116G>A (p.Val372=)

Gene: UBAP1 (ubiquitin associated protein 1; plus strand). Cytogenetic location: 9p13.3.
Variant type: single nucleotide variant.
Coding change: c.1116G>A on transcript NM_016525.5 (MANE Select); coding-DNA position 1116, G replaced by A.
Protein change: p.Val372=; no amino-acid change (valine 372 retained).
Molecular consequence: synonymous variant. On other transcripts: non-coding transcript variant (1).
Genome position (GRCh38, 1-based): chr9:34,249,811, G>A. VCF-style: chr9-34249811-G-A. GRCh37 (hg19) VCF-style: chr9-34249809-G-A.
Other names: p.Val436=; c.1308G>A, p.Val436= (NM_001171201.1); c.1224G>A, p.Val408= (NM_001171202.1); c.1116G>A, p.Val372= (NM_001171203.3, NM_001171204.3).
Identifiers: ClinVar variation 4683391 (VCV004683391.1).

ClinVar aggregate classification (germline): Likely benign (1 of 4 stars; one submission).

Submission:

Mayo Clinic Laboratories, Mayo Clinic
Classification: Likely benign. Last evaluated: 2025-09-19. Review status: criteria provided, single submitter. Criteria: ACMG Guidelines, 2015. Collection method: clinical testing. Allele origin: germline. Observed: 1 variant allele.
Comment: BP4, BP7